The following is an entry in ClinVar:

ClinVar aggregate classification (germline): Uncertain significance. Review status: criteria provided, multiple submitters, no conflicts (2 of 4 stars). 2 submissions from 2 submitters: Uncertain significance (2). Last evaluated 2024-12-31.

Allele frequency attached by ClinVar (database versions not stated): 1000 Genomes Project 30x 0.00031; ESP Exome Variant Server 0.00031; gnomAD 0.00034; 1000 Genomes Project 0.00040; TOPMed 0.00042; ExAC 0.00044.
gnomAD v4.1: 722 of 1,532,606 alleles (0.047%); highest among the groups gnomAD compares: Middle Eastern, 0.069%; no homozygotes.

Submissions (2):

Labcorp Genetics (formerly Invitae), Labcorp
Classification: Uncertain significance. Last evaluated: 2024-12-31. Review status: criteria provided, single submitter. Criteria: Invitae Variant Classification Sherloc (09022015). Collection method: clinical testing. Allele origin: germline.
Comment: This sequence change replaces serine, which is neutral and polar, with threonine, which is neutral and polar, at codon 4 of the TCTEX1D2 protein (p.Ser4Thr). This variant is present in population databases (rs145146700, gnomAD 0.06%). This variant has not been reported in the literature in individuals affected with TCTEX1D2-related conditions. ClinVar contains an entry for this variant (Variation ID: 2083990). An algorithm developed to predict the effect of missense changes on protein structure and function outputs the following: PolyPhen-2: "Benign". The threonine amino acid residue is found in multiple mammalian species, which suggests that this missense change does not adversely affect protein function. In summary, the available evidence is currently insufficient to determine the role of this variant in disease. Therefore, it has been classified as a Variant of Uncertain Significance.

Ambry Genetics
Classification: Uncertain significance. Last evaluated: 2021-09-17. Review status: criteria provided, single submitter. Criteria: Ambry Variant Classification Scheme 2023. Collection method: clinical testing. Allele origin: germline.

NM_152773.5(DYNLT2B):c.10T>A (p.Ser4Thr)

Genes: DYNLT2B (dynein light chain Tctex-type 2B; minus strand), TM4SF19-DYNLT2B (TM4SF19-DYNLT2B readthrough (NMD candidate); minus strand), LOC129938285 (ATAC-STARR-seq lymphoblastoid active region 21087; plus strand). Cytogenetic location: 3q29.
Variant type: single nucleotide variant.
Coding change: c.10T>A on transcript NM_152773.5 (MANE Select); coding-DNA position 10, T replaced by A.
Protein change: p.Ser4Thr; replaces serine 4 with threonine.
Molecular consequence: missense variant.
Genome position (GRCh38, 1-based): chr3:196,318,143, A>T on the plus strand (T>A on the coding strand, the complement: DYNLT2B is on the minus strand). VCF-style: chr3-196318143-A-T. GRCh37 (hg19) VCF-style: chr3-196045014-A-T.
Other names: c.10T>A, p.Ser4Thr (NM_001351628.2); c.10T>A (NM_152773.4); short protein forms S4T.
Identifiers: ClinVar variation 2083990 (VCV002083990.3), dbSNP rs145146700, ClinGen allele CA2779855.